The following is an entry in ClinVar:

NM_000551.4(VHL):c.313A>G (p.Thr105Ala)

Gene: VHL (von Hippel-Lindau tumor suppressor; plus strand). Cytogenetic location: 3p25.3.
Variant type: single nucleotide variant.
Coding change: c.313A>G on transcript NM_000551.4 (MANE Select); coding-DNA position 313, A replaced by G.
Protein change: p.Thr105Ala; replaces threonine 105 with alanine.
Molecular consequence: missense variant.
Genome position (GRCh38, 1-based): chr3:10,142,160, A>G. VCF-style: chr3-10142160-A-G. GRCh37 (hg19) VCF-style: chr3-10183844-A-G.
Other names: c.313A>G, p.Thr105Ala (NM_001354723.2, NM_198156.3); short protein forms T105A.
Identifiers: ClinVar variation 1800755 (VCV001800755.6), dbSNP rs1553619461, ClinGen allele CA351751120.

ClinVar aggregate classification (germline): Conflicting classifications of pathogenicity. Review status: criteria provided, conflicting classifications (1 of 4 stars). 3 submissions from 3 submitters: Uncertain significance (2); Likely benign (1). Last evaluated 2026-06-02.

Conditions:
Hereditary cancer-predisposing syndrome. Also called: Neoplastic Syndromes, Hereditary; Tumor predisposition; Hereditary Cancer Syndrome; Hereditary neoplastic syndrome. Identifiers: Orphanet 140162, MedGen C0027672, MeSH D009386, MONDO:0015356.
Chuvash polycythemia. Also called: POLYCYTHEMIA, VHL-DEPENDENT. Identifiers: Orphanet 238557, MedGen C1837915, MONDO:0009892, OMIM 263400.
Von Hippel-Lindau syndrome (VHLS). Also called: von Hippel–Lindau syndrome; VHL syndrome; Von Hippel-Lindau. Identifiers: Orphanet 892, MedGen C0019562, MONDO:0008667, OMIM 193300. Disease mechanism: loss of function.

Submissions (3):

Ambry Genetics
Classification: Likely benign for Hereditary cancer-predisposing syndrome. Last evaluated: 2026-06-02. Review status: criteria provided, single submitter. Criteria: Ambry Variant Classification Scheme 2023. Collection method: clinical testing. Allele origin: germline.

Labcorp Genetics (formerly Invitae), Labcorp
Classification: Uncertain significance for Von Hippel-Lindau syndrome; Chuvash polycythemia. Last evaluated: 2024-04-29. Review status: criteria provided, single submitter. Criteria: Invitae Variant Classification Sherloc (09022015). Collection method: clinical testing. Allele origin: germline.
Comment: This sequence change replaces threonine, which is neutral and polar, with alanine, which is neutral and non-polar, at codon 105 of the VHL protein (p.Thr105Ala). This variant is not present in population databases (gnomAD no frequency). This variant has not been reported in the literature in individuals affected with VHL-related conditions. ClinVar contains an entry for this variant (Variation ID: 1800755). Advanced modeling of protein sequence and biophysical properties (such as structural, functional, and spatial information, amino acid conservation, physicochemical variation, residue mobility, and thermodynamic stability) performed at Invitae indicates that this missense variant is expected to disrupt VHL protein function with a positive predictive value of 95%. In summary, the available evidence is currently insufficient to determine the role of this variant in disease. Therefore, it has been classified as a Variant of Uncertain Significance.

GeneDx
Classification: Uncertain significance. Last evaluated: 2022-05-18. Review status: criteria provided, single submitter. Criteria: GeneDx Variant Classification Process June 2021. Collection method: clinical testing. Allele origin: germline. Affected: yes.
Comment: Not observed at significant frequency in large population cohorts (gnomAD); In silico analysis supports that this missense variant does not alter protein structure/function; Has not been previously published as pathogenic or benign to our knowledge

Literature cited by the submitters: PubMed 38969834 (cited by Ambry Genetics).